The following is an entry in ClinVar:

NM_001903.5(CTNNA1):c.530A>G (p.Tyr177Cys)

Gene: CTNNA1 (catenin alpha 1; plus strand). Cytogenetic location: 5q31.2.
Variant type: single nucleotide variant.
Coding change: c.530A>G on transcript NM_001903.5 (MANE Select); coding-DNA position 530, A replaced by G.
Protein change: p.Tyr177Cys; replaces tyrosine 177 with cysteine.
Molecular consequence: missense variant.
Genome position (GRCh38, 1-based): chr5:138,812,244, A>G. VCF-style: chr5-138812244-A-G. GRCh37 (hg19) VCF-style: chr5-138147933-A-G.
Other names: c.530A>G, p.Tyr177Cys (NM_001290307.3, NM_001323982.2, NM_001323983.1 and 3 more transcripts); c.221A>G, p.Tyr74Cys (NM_001290309.3); c.161A>G, p.Tyr54Cys (NM_001290310.3); short protein forms Y54C, Y74C, Y177C.
Identifiers: ClinVar variation 825632 (VCV000825632.11), dbSNP rs1581119483, ClinGen allele CA361125312.

ClinVar aggregate classification (germline): Uncertain significance. Review status: criteria provided, multiple submitters, no conflicts (2 of 4 stars). 2 submissions from 2 submitters: Uncertain significance (2). Last evaluated 2024-10-24.

Conditions:
Hereditary cancer-predisposing syndrome. Also called: Neoplastic Syndromes, Hereditary; Tumor predisposition; Hereditary neoplastic syndrome; Hereditary Cancer Syndrome. Identifiers: Orphanet 140162, MedGen C0027672, MeSH D009386, MONDO:0015356.

Allele frequency attached by ClinVar (database versions not stated): gnomAD exomes below 0.00001.
gnomAD v4.1: 1 of 1,613,964 alleles (0.000062%); highest among the groups gnomAD compares: South Asian, 0.0011%; no homozygotes.

Submissions (2):

Labcorp Genetics (formerly Invitae), Labcorp
Classification: Uncertain significance. Last evaluated: 2024-10-24. Review status: criteria provided, single submitter. Criteria: Invitae Variant Classification Sherloc (09022015). Collection method: clinical testing. Allele origin: germline.
Comment: This sequence change replaces tyrosine, which is neutral and polar, with cysteine, which is neutral and slightly polar, at codon 177 of the CTNNA1 protein (p.Tyr177Cys). This variant is not present in population databases (gnomAD no frequency). This variant has not been reported in the literature in individuals affected with CTNNA1-related conditions. ClinVar contains an entry for this variant (Variation ID: 825632). Invitae Evidence Modeling of protein sequence and biophysical properties (such as structural, functional, and spatial information, amino acid conservation, physicochemical variation, residue mobility, and thermodynamic stability) indicates that this missense variant is not expected to disrupt CTNNA1 protein function with a negative predictive value of 80%. In summary, the available evidence is currently insufficient to determine the role of this variant in disease. Therefore, it has been classified as a Variant of Uncertain Significance.

Ambry Genetics
Classification: Uncertain significance for Hereditary cancer-predisposing syndrome. Last evaluated: 2023-11-16. Review status: criteria provided, single submitter. Criteria: Ambry Variant Classification Scheme 2023. Collection method: clinical testing. Allele origin: germline.
Comment: The p.Y177C variant (also known as c.530A>G), located in coding exon 4 of the CTNNA1 gene, results from an A to G substitution at nucleotide position 530. The tyrosine at codon 177 is replaced by cysteine, an amino acid with highly dissimilar properties. This amino acid position is well conserved in available vertebrate species. In addition, the in silico prediction for this alteration is inconclusive. Since supporting evidence is limited at this time, the clinical significance of this alteration remains unclear.